The following is an entry in ClinVar:

NM_001037540.3(SCML1):c.831T>G (p.Pro277=)

Gene: SCML1 (Scm polycomb group protein like 1; plus strand). Cytogenetic location: Xp22.13.
Variant type: single nucleotide variant.
Coding change: c.831T>G on transcript NM_001037540.3 (MANE Select); coding-DNA position 831, T replaced by G.
Protein change: p.Pro277=; no amino-acid change (proline 277 retained).
Molecular consequence: synonymous variant.
Genome position (GRCh38, 1-based): chrX:17,751,942, T>G. VCF-style: chrX-17751942-T-G. GRCh37 (hg19) VCF-style: chrX-17770062-T-G.
Other names: c.468T>G, p.Pro156= (NM_001037535.3, NM_001037536.3); c.750T>G, p.Pro250= (NM_006746.6).
Identifiers: ClinVar variation 2660091 (VCV002660091.24), dbSNP rs1413294226, ClinGen allele CA515467617.

ClinVar aggregate classification (germline): Likely benign (1 of 4 stars; one submission).

Allele frequency attached by ClinVar (database versions not stated): gnomAD exomes 0.00001.
gnomAD v4.1: 3 of 1,211,269 alleles (0.00025%); highest among the groups gnomAD compares: Non-Finnish European, 0.00034%; no homozygotes.

Submission:

CeGaT Center for Human Genetics Tuebingen
Classification: Likely benign. Last evaluated: 2022-11-01. Review status: criteria provided, single submitter. Criteria: CeGaT Center For Human Genetics Tuebingen Variant Classification Criteria Version 2. Collection method: clinical testing. Allele origin: germline. Affected: yes. Observed: 1 variant allele.
Comment: SCML1: BP4, BP7